The following is an entry in ClinVar:

ClinVar aggregate classification (germline): Uncertain significance (1 of 4 stars; one submission).

Submission:

Labcorp Genetics (formerly Invitae), Labcorp
Classification: Uncertain significance. Last evaluated: 2023-12-22. Review status: criteria provided, single submitter. Criteria: Invitae Variant Classification Sherloc (09022015). Collection method: clinical testing. Allele origin: germline.
Comment: This sequence change replaces glutamine, which is neutral and polar, with proline, which is neutral and non-polar, at codon 1146 of the CLTC protein (p.Gln1146Pro). This variant is not present in population databases (gnomAD no frequency). This variant has not been reported in the literature in individuals affected with CLTC-related conditions. ClinVar contains an entry for this variant (Variation ID: 1475984). Advanced modeling of protein sequence and biophysical properties (such as structural, functional, and spatial information, amino acid conservation, physicochemical variation, residue mobility, and thermodynamic stability) performed at Invitae indicates that this missense variant is not expected to disrupt CLTC protein function with a negative predictive value of 80%. In summary, the available evidence is currently insufficient to determine the role of this variant in disease. Therefore, it has been classified as a Variant of Uncertain Significance.

NM_004859.4(CLTC):c.3425A>C (p.Gln1142Pro)

Gene: CLTC (clathrin heavy chain; plus strand). Cytogenetic location: 17q23.1.
Variant type: single nucleotide variant.
Coding change: c.3425A>C on transcript NM_004859.4 (MANE Select); coding-DNA position 3425, A replaced by C.
Protein change: p.Gln1142Pro; replaces glutamine 1142 with proline.
Molecular consequence: missense variant.
Genome position (GRCh38, 1-based): chr17:59,681,822, A>C. VCF-style: chr17-59681822-A-C. GRCh37 (hg19) VCF-style: chr17-57759183-A-C.
Other names: c.3437A>C, p.Gln1146Pro (NM_001288653.2); short protein forms Q1142P, Q1146P.
Identifiers: ClinVar variation 1475984 (VCV001475984.8), dbSNP rs2143592588, ClinGen allele CA400417771.